The following is an entry in ClinVar:

ClinVar aggregate classification (germline): Uncertain significance (1 of 4 stars; one submission).

Submission:

GeneDx
Classification: Uncertain significance. Last evaluated: 2017-07-31. Review status: criteria provided, single submitter. Criteria: GeneDx Variant Classification (06012015). Collection method: clinical testing. Allele origin: germline. Affected: yes.
Comment: The c.3550 A>G variant has not been published as a pathogenic variant, nor has it been reported as a benign variant to our knowledge. The c.3550 A>G variant is not observed in large population cohorts (Lek et al., 2016; 1000 Genomes Consortium et al., 2015; Exome Variant Server). Multiple in-silico splice prediction models predict that c.3550 A>G creates a cryptic splice donor site which may supplant the natural donor site and lead to abnormal gene splicing. However, in the absence of RNA/functional studies the actual effect of c.3550 A>G on splicing in this individual is unknown. If c.3550 A>G does not alter splicing, it will result in the I1184V missense change. The I1184V variant is a conservative amino acid substitution, which is not likely to impact secondary protein structure as these residues share similar properties. This substitution occurs at a position in the cytoplasmic loop between the second and third homologous domains, where amino acids with similar properties to Isoleucine are tolerated across species. In silico analysis is inconsistent in its predictions as to whether or not the variant is damaging to the protein structure/function.

NM_001040142.2(SCN2A):c.3550A>G (p.Ile1184Val)

Gene: SCN2A (sodium voltage-gated channel alpha subunit 2; plus strand). Cytogenetic location: 2q24.3.
Variant type: single nucleotide variant.
Coding change: c.3550A>G on transcript NM_001040142.2 (MANE Select); coding-DNA position 3550, A replaced by G.
Protein change: p.Ile1184Val; replaces isoleucine 1184 with valine.
Molecular consequence: missense variant.
Genome position (GRCh38, 1-based): chr2:165,367,246, A>G. VCF-style: chr2-165367246-A-G. GRCh37 (hg19) VCF-style: chr2-166223756-A-G.
Other names: c.3550A>G, p.Ile1184Val (NM_001040143.2, NM_001371246.1, NM_001371247.1 and 1 more transcripts); short protein forms I1184V.
Identifiers: ClinVar variation 451119 (VCV000451119.2), dbSNP rs1553590122, ClinGen allele CA349025839.